The following is an entry in ClinVar:

NM_001875.5(CPS1):c.726G>A (p.Val242=)

Gene: CPS1 (carbamoyl-phosphate synthase 1; plus strand). Cytogenetic location: 2q34.
Variant type: single nucleotide variant.
Coding change: c.726G>A on transcript NM_001875.5 (MANE Select); coding-DNA position 726, G replaced by A.
Protein change: p.Val242=; no amino-acid change (valine 242 retained).
Molecular consequence: synonymous variant. On other transcripts: non-coding transcript variant (1).
Genome position (GRCh38, 1-based): chr2:210,590,120, G>A. VCF-style: chr2-210590120-G-A. GRCh37 (hg19) VCF-style: chr2-211454844-G-A.
Other names: c.726G>A, p.Val242= (NM_001122633.3, NM_001369257.1); c.759G>A, p.Val253= (NM_001369256.1).
Identifiers: ClinVar variation 1091440 (VCV001091440.32), dbSNP rs765377334, ClinGen allele CA2086127.
Genomic context (GRCh38, chr2:210,590,120, plus strand): 5'-AAAGAAACATGTTATTAAATTCATCATTCTTGTGTCTCTTTTCCAGCGAGGAGCTGAAGT[G>A]CACTTAGTTCCCTGGAACCATGATTTCACCAAGATGGAGTATGATGGGATTTTGATCGCG-3'
Protein context (NP_001866.2, residues 232-252): IRLLVKRGAE[Val242=]HLVPWNHDFT

ClinVar aggregate classification (germline): Likely benign. Review status: criteria provided, multiple submitters, no conflicts (2 of 4 stars). 2 submissions from 2 submitters: Likely benign (2). Last evaluated 2024-03-20.

Conditions:
Congenital hyperammonemia, type I. Also called: Carbamoyl phosphate synthetase 1 deficiency; Hyperammonemia due to carbamoyl phosphate synthetase 1 deficiency; CPS 1 deficiency; Carbamyl phosphate synthetase (CPS) deficiency; Carbamoyl-phosphate synthase I deficiency; Carbamoyl phosphate synthetase I deficiency disease. Identifiers: Orphanet 147, MedGen C4082171, MONDO:0009376, OMIM 237300.

Allele frequency attached by ClinVar (database versions not stated): gnomAD exomes below 0.00001 and 0.00001; TOPMed below 0.00001; ExAC 0.00001.
gnomAD v4.1: 10 of 1,612,742 alleles (0.00062%); highest among the groups gnomAD compares: Admixed American, 0.005%; no homozygotes.

Submissions (2):

Labcorp Genetics (formerly Invitae), Labcorp
Classification: Likely benign for Congenital hyperammonemia, type I. Last evaluated: 2024-03-20. Review status: criteria provided, single submitter. Criteria: Invitae Variant Classification Sherloc (09022015). Collection method: clinical testing. Allele origin: germline.

CeGaT Center for Human Genetics Tuebingen
Classification: Likely benign. Last evaluated: 2023-05-01. Review status: criteria provided, single submitter. Criteria: CeGaT Center For Human Genetics Tuebingen Variant Classification Criteria Version 2. Collection method: clinical testing. Allele origin: germline. Affected: yes. Observed: 1 variant allele.
Comment: CPS1: BP4, BP7